The following is an entry in ClinVar:

ClinVar aggregate classification (germline): Uncertain significance. Review status: criteria provided, multiple submitters, no conflicts (2 of 4 stars). 2 submissions from 2 submitters: Uncertain significance (2). Last evaluated 2025-05-13.

Conditions:
Inborn genetic diseases. Identifiers: MedGen C0950123, MeSH D030342.

Allele frequency attached by ClinVar (database versions not stated): gnomAD exomes 0.00001 and 0.00006; gnomAD 0.00013; ExAC 0.00006; TOPMed 0.00011; ESP Exome Variant Server 0.00015; 1000 Genomes Project 0.00040; 1000 Genomes Project 30x 0.00062.

Submissions (2):

Ambry Genetics
Classification: Uncertain significance for Inborn genetic diseases. Last evaluated: 2025-05-13. Review status: criteria provided, single submitter. Criteria: Ambry Variant Classification Scheme 2023. Collection method: clinical testing. Allele origin: germline.

Labcorp Genetics (formerly Invitae), Labcorp
Classification: Uncertain significance. Last evaluated: 2022-07-30. Review status: criteria provided, single submitter. Criteria: Invitae Variant Classification Sherloc (09022015). Collection method: clinical testing. Allele origin: germline.
Comment: This sequence change replaces tyrosine, which is neutral and polar, with cysteine, which is neutral and slightly polar, at codon 188 of the TNFSF11 protein (p.Tyr188Cys). This variant is present in population databases (rs143464073, gnomAD 0.05%). This variant has not been reported in the literature in individuals affected with TNFSF11-related conditions. ClinVar contains an entry for this variant (Variation ID: 1413032). Algorithms developed to predict the effect of missense changes on protein structure and function are either unavailable or do not agree on the potential impact of this missense change (SIFT: "Tolerated"; PolyPhen-2: "Probably Damaging"; Align-GVGD: "Class C15"). In summary, the available evidence is currently insufficient to determine the role of this variant in disease. Therefore, it has been classified as a Variant of Uncertain Significance.

NM_003701.4(TNFSF11):c.563A>G (p.Tyr188Cys)

Gene: TNFSF11 (TNF superfamily member 11; plus strand). Cytogenetic location: 13q14.11.
Variant type: single nucleotide variant.
Coding change: c.563A>G on transcript NM_003701.4 (MANE Select); coding-DNA position 563, A replaced by G.
Protein change: p.Tyr188Cys; replaces tyrosine 188 with cysteine.
Molecular consequence: missense variant.
Genome position (GRCh38, 1-based): chr13:42,606,527, A>G. VCF-style: chr13-42606527-A-G. GRCh37 (hg19) VCF-style: chr13-43180663-A-G.
Other names: c.344A>G, p.Tyr115Cys (NM_033012.4); c.563A>G (NM_003701.3); short protein forms Y188C, Y115C.
Identifiers: ClinVar variation 1413032 (VCV001413032.6), dbSNP rs143464073, ClinGen allele CA6967270.